The following is an entry in ClinVar:

ClinVar aggregate classification (germline): Uncertain significance (1 of 4 stars; one submission).

gnomAD v4.1: 1 of 1,611,036 alleles (0.000062%); highest among the groups gnomAD compares: Non-Finnish European, 0.000085%; no homozygotes.

Submission:

Dasa
Classification: Uncertain significance. Last evaluated: 2025-07-09. Review status: criteria provided, single submitter. Criteria: DASA Assertion Criteria. Collection method: clinical testing. Allele origin: germline.
Comment: NM_004293.5(GDA):c.275G>A (p.Gly92Glu) is a missense variant that results in the substitution of glycine with glutamic acid. This variant is rare in population databases. Computational prediction algorithms are consistent with a deleterious effect. The currently available literature and clinical evidence are not sufficient to establish a definitive association between this variant and the reported condition. Therefore, this variant is classified as a variant of uncertain significance.

NM_004293.5(GDA):c.275G>A (p.Gly92Glu)

Gene: GDA (guanine deaminase; plus strand). Cytogenetic location: 9q21.13.
Variant type: single nucleotide variant.
Coding change: c.275G>A on transcript NM_004293.5 (MANE Select); coding-DNA position 275, G replaced by A.
Protein change: p.Gly92Glu; replaces glycine 92 with glutamic acid.
Molecular consequence: missense variant. On other transcripts: non-coding transcript variant (1).
Genome position (GRCh38, 1-based): chr9:72,202,633, G>A. VCF-style: chr9-72202633-G-A. GRCh37 (hg19) VCF-style: chr9-74817549-G-A.
Other names: c.275G>A, p.Gly92Glu (NM_001242505.3, NM_001351572.2, NM_001351573.2); c.53G>A, p.Gly18Glu (NM_001242506.3, NM_001242507.3); c.149G>A, p.Gly50Glu (NM_001351571.2); short protein forms G18E, G50E, G92E.
Identifiers: ClinVar variation 4881470 (VCV004881470.2).